The following is an entry in ClinVar:

NM_004370.6(COL12A1):c.7348C>T (p.Gln2450Ter)

Genes: COL12A1 (collagen type XII alpha 1 chain; minus strand), LOC126859712 (MED14-independent group 3 enhancer GRCh37_chr6:75828643-75829842; plus strand). Cytogenetic location: 6q13.
Variant type: single nucleotide variant.
Coding change: c.7348C>T on transcript NM_004370.6 (MANE Select); coding-DNA position 7348, C replaced by T.
Protein change: p.Gln2450Ter; replaces glutamine 2450 with a stop codon.
Molecular consequence: nonsense.
Genome position (GRCh38, 1-based): chr6:75,119,049, G>A on the plus strand (C>T on the coding strand, the complement: COL12A1 is on the minus strand). VCF-style: chr6-75119049-G-A. GRCh37 (hg19) VCF-style: chr6-75828765-G-A.
Other names: c.3856C>T, p.Gln1286Ter (NM_080645.3, NM_001424116.1); c.7348C>T, p.Gln2450Ter (NM_001424113.1); c.7327C>T, p.Gln2443Ter (NM_001424114.1); c.7075C>T, p.Gln2359Ter (NM_001424115.1); short protein forms Q1286*, Q2443*, Q2359*, Q2450*.
Identifiers: ClinVar variation 2948034 (VCV002948034.3), dbSNP rs2533199113, ClinGen allele CA364747348.

ClinVar aggregate classification (germline): Pathogenic (1 of 4 stars; one submission).

Conditions:
Ullrich congenital muscular dystrophy 2 (UCMD2). Identifiers: Orphanet 75840, MedGen C4225314, MONDO:0014654, OMIM 616470.
Bethlem myopathy 2 (BTHLM2). Identifiers: Orphanet 536516, Orphanet 610, MedGen C4225313, MONDO:0034022, OMIM 616471.

Submission:

Labcorp Genetics (formerly Invitae), Labcorp
Classification: Pathogenic for Bethlem myopathy 2; Ullrich congenital muscular dystrophy 2. Last evaluated: 2023-05-21. Review status: criteria provided, single submitter. Criteria: Invitae Variant Classification Sherloc (09022015). Collection method: clinical testing. Allele origin: germline.
Comment: For these reasons, this variant has been classified as Pathogenic. This variant has not been reported in the literature in individuals affected with COL12A1-related conditions. This variant is not present in population databases (gnomAD no frequency). This sequence change creates a premature translational stop signal (p.Gln2450*) in the COL12A1 gene. It is expected to result in an absent or disrupted protein product. Loss-of-function variants in COL12A1 are known to be pathogenic (PMID: 24334604, 28973083).

Literature cited by the submitters: PubMed 24334604; PubMed 28973083.